The following is an entry in ClinVar:

NM_004304.5(ALK):c.2213G>C (p.Gly738Ala)

Gene: ALK (ALK receptor tyrosine kinase; minus strand). Cytogenetic location: 2p23.2.
Variant type: single nucleotide variant.
Coding change: c.2213G>C on transcript NM_004304.5 (MANE Select); coding-DNA position 2213, G replaced by C.
Protein change: p.Gly738Ala; replaces glycine 738 with alanine.
Molecular consequence: missense variant.
Genome position (GRCh38, 1-based): chr2:29,239,822, C>G on the plus strand (G>C on the coding strand, the complement: ALK is on the minus strand). VCF-style: chr2-29239822-C-G. GRCh37 (hg19) VCF-style: chr2-29462688-C-G.
Other names: short protein forms G738A.
Identifiers: ClinVar variation 3643599 (VCV003643599.2).
Genomic context (GRCh38, chr2:29,239,822, plus strand): 5'-GACACGCCGTGGGACCGCATCATGGTGTTCTTCCCGCCTTTCCCGCCAGCAGCTCCGTAG[C>G]CCGAGATGCTGCAATGGGACAAAGAACGTTGGCTCCCGCTGTGGTATGAAGACTGTCCCC-3'
Protein context (NP_004295.2, residues 728-748): VPATDTYSIS[Gly738Ala]YGAAGGKGGK

ClinVar aggregate classification (germline): Uncertain significance (1 of 4 stars; one submission).

Conditions:
Neuroblastoma, susceptibility to, 3. Also called: ALK-Related Neuroblastic Tumor Susceptibility. Identifiers: Orphanet 635, MedGen C2751681, MONDO:0013083, OMIM 613014.

Submission:

Labcorp Genetics (formerly Invitae), Labcorp
Classification: Uncertain significance for Neuroblastoma, susceptibility to, 3. Last evaluated: 2024-02-28. Review status: criteria provided, single submitter. Criteria: Invitae Variant Classification Sherloc (09022015). Collection method: clinical testing. Allele origin: germline.
Comment: This sequence change replaces glycine, which is neutral and non-polar, with alanine, which is neutral and non-polar, at codon 738 of the ALK protein (p.Gly738Ala). This variant is not present in population databases (gnomAD no frequency). This variant has not been reported in the literature in individuals affected with ALK-related conditions. An algorithm developed to predict the effect of missense changes on protein structure and function (PolyPhen-2) suggests that this variant is likely to be tolerated. In summary, the available evidence is currently insufficient to determine the role of this variant in disease. Therefore, it has been classified as a Variant of Uncertain Significance.